The following is an entry in ClinVar:

ClinVar aggregate classification (germline): Uncertain significance (1 of 4 stars; one submission).

Conditions:
Episodic ataxia, type 9. Identifiers: MedGen C5394520, MONDO:0030064, OMIM 618924.
Seizures, benign familial infantile, 3 (BFIS3). Also called: CONVULSIONS, BENIGN FAMILIAL INFANTILE, 3; Familial neonatal seizures. Identifiers: Orphanet 140927, Orphanet 306, MedGen C1843140, MONDO:0011904, OMIM 607745.
Developmental and epileptic encephalopathy, 11 (DEE11). Also called: Early infantile epileptic encephalopathy 11. Identifiers: Orphanet 1934, MedGen C3150987, MONDO:0013388, OMIM 613721.

Submission:

Juno Genomics, Hangzhou Juno Genomics, Inc
Classification: Uncertain significance for Developmental and epileptic encephalopathy, 11; Episodic ataxia, type 9; Seizures, benign familial infantile, 3. Review status: criteria provided, single submitter. Criteria: ACMG Guidelines, 2015. Collection method: clinical testing. Allele origin: germline.
Comment: Absent from controls (or at extremely low frequency if recessive) in Genome Aggregation Database.

NM_001040142.2(SCN2A):c.5981A>G (p.Glu1994Gly)

Gene: SCN2A (sodium voltage-gated channel alpha subunit 2; plus strand). Cytogenetic location: 2q24.3.
Variant type: single nucleotide variant.
Coding change: c.5981A>G on transcript NM_001040142.2 (MANE Select); coding-DNA position 5981, A replaced by G.
Protein change: p.Glu1994Gly; replaces glutamic acid 1994 with glycine.
Molecular consequence: missense variant.
Genome position (GRCh38, 1-based): chr2:165,389,787, A>G. VCF-style: chr2-165389787-A-G. GRCh37 (hg19) VCF-style: chr2-166246297-A-G.
Other names: c.5981A>G, p.Glu1994Gly (NM_001040143.2, NM_001371246.1, NM_001371247.1 and 1 more transcripts); short protein forms E1994G.
Identifiers: ClinVar variation 5006114 (VCV005006114.2).
Genomic context (GRCh38, chr2:165,389,787, plus strand): 5'-CGTATGATAGTGTGACCAAACCAGAAAAAGAAAAATTTGAAAAAGACAAATCAGAAAAGG[A>G]AGACAAAGGGAAAGATATCAGGGAAAGTAAAAAGTAAAAAGAAACCAAGAATTTTCCATT-3'
Protein context (NP_001035232.1, residues 1984-2004): EKFEKDKSEK[Glu1994Gly]DKGKDIRESK